The following is an entry in ClinVar:

NM_032634.4(PIGO):c.1528C>G (p.Leu510Val)

Gene: PIGO (phosphatidylinositol glycan anchor biosynthesis class O; minus strand). Cytogenetic location: 9p13.3.
Variant type: single nucleotide variant.
Coding change: c.1528C>G on transcript NM_032634.4 (MANE Select); coding-DNA position 1528, C replaced by G.
Protein change: p.Leu510Val; replaces leucine 510 with valine.
Molecular consequence: missense variant. On other transcripts: intron variant (2).
Genome position (GRCh38, 1-based): chr9:35,092,359, G>C on the plus strand (C>G on the coding strand, the complement: PIGO is on the minus strand). VCF-style: chr9-35092359-G-C. GRCh37 (hg19) VCF-style: chr9-35092356-G-C.
Other names: c.1344+184C>G (NM_152850.4, NM_001201484.2); short protein forms L510V.
Identifiers: ClinVar variation 2089855 (VCV002089855.4), dbSNP rs2490454198, ClinGen allele CA373321937.

ClinVar aggregate classification (germline): Uncertain significance (1 of 4 stars; one submission).

Conditions:
Hyperphosphatasia with impaired intellectual development syndrome 2. Also called: Hyperphosphatasia with intellectual disability syndrome 2; GLYCOSYLPHOSPHATIDYLINOSITOL BIOSYNTHESIS DEFECT 6. Identifiers: Orphanet 247262, MedGen C3553637, MONDO:0013882, OMIM 614749.

gnomAD v4.1: 4 of 1,614,228 alleles (0.00025%); highest among the groups gnomAD compares: Non-Finnish European, 0.00034%; no homozygotes.

Submission:

Labcorp Genetics (formerly Invitae), Labcorp
Classification: Uncertain significance for Hyperphosphatasia with impaired intellectual development syndrome 2. Last evaluated: 2022-03-04. Review status: criteria provided, single submitter. Criteria: Invitae Variant Classification Sherloc (09022015). Collection method: clinical testing. Allele origin: germline.
Comment: In summary, the available evidence is currently insufficient to determine the role of this variant in disease. Therefore, it has been classified as a Variant of Uncertain Significance. This sequence change replaces leucine, which is neutral and non-polar, with valine, which is neutral and non-polar, at codon 510 of the PIGO protein (p.Leu510Val). This variant is not present in population databases (gnomAD no frequency). This variant has not been reported in the literature in individuals affected with PIGO-related conditions. Algorithms developed to predict the effect of missense changes on protein structure and function (SIFT, PolyPhen-2, Align-GVGD) all suggest that this variant is likely to be tolerated.